The following is an entry in ClinVar:

ClinVar aggregate classification (germline): Likely benign. Review status: criteria provided, single submitter (1 of 4 stars). 2 submissions from 2 submitters: Likely benign (1). 1 of the submissions does not count toward it. Last evaluated 2018-04-16.

Conditions:
TOP3B-related disorder. Also called: TOP3B-related condition.

Allele frequency attached by ClinVar (database versions not stated): gnomAD exomes 0.00004 and 0.00005; ExAC 0.00005; gnomAD 0.00005; TOPMed 0.00007; ESP Exome Variant Server 0.00008; 1000 Genomes Project 0.00040; 1000 Genomes Project 30x 0.00047.
gnomAD v4.1: 67 of 1,613,578 alleles (0.0042%); highest among the groups gnomAD compares: Admixed American, 0.025%; no homozygotes.

Submissions (2):

Labcorp Genetics (formerly Invitae), Labcorp
Classification: Likely benign. Last evaluated: 2018-04-16. Review status: criteria provided, single submitter. Criteria: Invitae Variant Classification Sherloc (09022015). Collection method: clinical testing. Allele origin: germline.

PreventionGenetics, part of Exact Sciences
Classification: Likely benign for TOP3B-related condition. Last evaluated: 2019-11-25. Review status: no assertion criteria provided. Collection method: clinical testing. Allele origin: germline. Not counted in ClinVar's aggregate classification.
Comment: This variant is classified as likely benign based on ACMG/AMP sequence variant interpretation guidelines (Richards et al. 2015 PMID: 25741868, with internal and published modifications).

NM_001282112.2(TOP3B):c.1197C>T (p.Ala399=)

Gene: TOP3B (DNA topoisomerase III beta; minus strand). Cytogenetic location: 22q11.22.
Variant type: single nucleotide variant.
Coding change: c.1197C>T on transcript NM_001282112.2 (MANE Select); coding-DNA position 1197, C replaced by T.
Protein change: p.Ala399=; no amino-acid change (alanine 399 retained).
Molecular consequence: synonymous variant. On other transcripts: non-coding transcript variant (1).
Genome position (GRCh38, 1-based): chr22:21,963,930, G>A on the plus strand (C>T on the coding strand, the complement: TOP3B is on the minus strand). VCF-style: chr22-21963930-G-A. GRCh37 (hg19) VCF-style: chr22-22318302-G-A.
Other names: c.1197C>T, p.Ala399= (NM_001282113.2, NM_001349845.2, NM_001349847.2 and 1 more transcripts); c.789C>T, p.Ala263= (NM_001349848.2, NM_001349850.2, NM_001349851.2 and 1 more transcripts).
Identifiers: ClinVar variation 740830 (VCV000740830.5), dbSNP rs151148764, ClinGen allele CA10125720.
Genomic context (GRCh38, chr22:21,963,930, plus strand): 5'-CAGCTCGCCCTTCCCTCCCTGGAAGCACACCGGGTATGGGATGAGAGCGGTACCTAATTC[G>A]GCCTCTGTGGCAGACTTCATGGGGGTGATGGGGGGATGGTCGCCGGCGTCATGGCCTTTC-3'
Protein context (NP_001269041.1, residues 389-409): PITPMKSATE[Ala399=]ELGGDAWRLY